The following is an entry in ClinVar:

NM_015215.4(CAMTA1):c.2964G>T (p.Arg988Ser)

Gene: CAMTA1 (calmodulin binding transcription activator 1; plus strand). Cytogenetic location: 1p36.23.
Variant type: single nucleotide variant.
Coding change: c.2964G>T on transcript NM_015215.4 (MANE Select); coding-DNA position 2964, G replaced by T.
Protein change: p.Arg988Ser; replaces arginine 988 with serine.
Molecular consequence: missense variant.
Genome position (GRCh38, 1-based): chr1:7,732,497, G>T. VCF-style: chr1-7732497-G-T. GRCh37 (hg19) VCF-style: chr1-7792557-G-T.
Other names: c.2874G>T, p.Arg958Ser (NM_001349608.2, NM_001349612.2); c.2964G>T, p.Arg988Ser (NM_001349609.2, NM_001349610.2, NM_001410737.1); c.93G>T, p.Arg31Ser (NM_001349613.1); c.36G>T, p.Arg12Ser (NM_001349614.1, NM_001349615.2, NM_001349616.2 and 10 more transcripts); c.2892G>T, p.Arg964Ser (NM_001410738.1); short protein forms R12S, R31S, R958S, R964S, R988S.
Identifiers: ClinVar variation 3901621 (VCV003901621.1).

ClinVar aggregate classification (germline): Uncertain significance (1 of 4 stars; one submission).

gnomAD v4.1: 8 of 1,613,908 alleles (0.0005%); highest among the groups gnomAD compares: African/African-American, 0.011%; no homozygotes.

Submission:

GeneDx
Classification: Uncertain significance. Last evaluated: 2024-12-03. Review status: criteria provided, single submitter. Criteria: GeneDx Variant Classification Process June 2021. Collection method: clinical testing. Allele origin: germline. Affected: yes.
Comment: Not observed at significant frequency in large population cohorts (gnomAD); In silico analysis supports that this missense variant has a deleterious effect on protein structure/function; Has not been previously published as pathogenic or benign to our knowledge